The following is an entry in ClinVar:

NM_004100.5(EYA4):c.878A>G (p.Tyr293Cys)

Gene: EYA4 (EYA transcriptional coactivator and phosphatase 4; plus strand). Cytogenetic location: 6q23.2.
Variant type: single nucleotide variant.
Coding change: c.878A>G on transcript NM_004100.5 (MANE Select); coding-DNA position 878, A replaced by G.
Protein change: p.Tyr293Cys; replaces tyrosine 293 with cysteine.
Molecular consequence: missense variant.
Genome position (GRCh38, 1-based): chr6:133,468,639, A>G. VCF-style: chr6-133468639-A-G. GRCh37 (hg19) VCF-style: chr6-133789777-A-G.
Other names: c.716A>G, p.Tyr239Cys (NM_001301012.2, NM_001370459.1); c.878A>G, p.Tyr293Cys (NM_001301013.2, NM_172105.4); c.809A>G, p.Tyr270Cys (NM_001370458.1, NM_172103.4); short protein forms Y293C, Y270C, Y239C.
Identifiers: ClinVar variation 3511143 (VCV003511143.3).
Genomic context (GRCh38, chr6:133,468,639, plus strand): 5'-ATACAGCCTTTGGCCAAAACCAGTATGCACAGTATTATTCAGCATCAACGTATGGAGCGT[A>G]TATGACATCGAATAACACAGCCGATGGCACACCCTCTTCAACCTCTACTTATCAGTTGCA-3'
Protein context (NP_004091.3, residues 283-303): QYYSASTYGA[Tyr293Cys]MTSNNTADGT

ClinVar aggregate classification (germline): Uncertain significance. Review status: criteria provided, multiple submitters, no conflicts (2 of 4 stars). 2 submissions from 2 submitters: Uncertain significance (2). Last evaluated 2024-10-23.

Conditions:
Dilated cardiomyopathy 1J (CMD1J). Also called: CARDIOMYOPATHY, DILATED, WITH SENSORINEURAL HEARING LOSS, AUTOSOMAL DOMINANT. Identifiers: Orphanet 217622, MedGen C1854368, MONDO:0011541, OMIM 605362.
Cardiovascular phenotype. Identifiers: MedGen CN230736.

gnomAD v4.1: 3 of 1,612,666 alleles (0.00019%); highest among the groups gnomAD compares: Middle Eastern, 0.017%; no homozygotes.

Submissions (2):

Labcorp Genetics (formerly Invitae), Labcorp
Classification: Uncertain significance for Dilated cardiomyopathy 1J. Last evaluated: 2024-10-23. Review status: criteria provided, single submitter. Criteria: Invitae Variant Classification Sherloc (09022015). Collection method: clinical testing. Allele origin: germline.
Comment: This sequence change replaces tyrosine, which is neutral and polar, with cysteine, which is neutral and slightly polar, at codon 293 of the EYA4 protein (p.Tyr293Cys). This variant is present in population databases (no rsID available, gnomAD 0.003%). This variant has not been reported in the literature in individuals affected with EYA4-related conditions. Invitae Evidence Modeling of protein sequence and biophysical properties (such as structural, functional, and spatial information, amino acid conservation, physicochemical variation, residue mobility, and thermodynamic stability) indicates that this missense variant is not expected to disrupt EYA4 protein function with a negative predictive value of 80%. In summary, the available evidence is currently insufficient to determine the role of this variant in disease. Therefore, it has been classified as a Variant of Uncertain Significance.

Ambry Genetics
Classification: Uncertain significance for Cardiovascular phenotype. Last evaluated: 2024-09-02. Review status: criteria provided, single submitter. Criteria: Ambry Variant Classification Scheme 2023. Collection method: clinical testing. Allele origin: germline.
Comment: The p.Y293C variant (also known as c.878A>G), located in coding exon 10 of the EYA4 gene, results from an A to G substitution at nucleotide position 878. The tyrosine at codon 293 is replaced by cysteine, an amino acid with highly dissimilar properties. This amino acid position is conserved. In addition, this alteration is predicted to be deleterious by in silico analysis. Based on the available evidence, the clinical significance of this variant remains unclear.